The following is an entry in ClinVar:

ClinVar aggregate classification (germline): Uncertain significance. Review status: criteria provided, multiple submitters, no conflicts (2 of 4 stars). 2 submissions from 2 submitters: Uncertain significance (2). Last evaluated 2024-07-27.

Conditions:
Hereditary cancer-predisposing syndrome. Also called: Tumor predisposition; Hereditary Cancer Syndrome; Neoplastic Syndromes, Hereditary; Hereditary neoplastic syndrome. Identifiers: Orphanet 140162, MedGen C0027672, MeSH D009386, MONDO:0015356.

Submissions (2):

Ambry Genetics
Classification: Uncertain significance for Hereditary cancer-predisposing syndrome. Last evaluated: 2024-07-27. Review status: criteria provided, single submitter. Criteria: Ambry Variant Classification Scheme 2023. Collection method: clinical testing. Allele origin: germline.
Comment: The p.I860F variant (also known as c.2578A>T), located in coding exon 16 of the RAD50 gene, results from an A to T substitution at nucleotide position 2578. The isoleucine at codon 860 is replaced by phenylalanine, an amino acid with highly similar properties. This amino acid position is well conserved in available vertebrate species. In addition, this alteration is predicted to be tolerated by in silico analysis. Since supporting evidence is limited at this time, the clinical significance of this alteration remains unclear.

Labcorp Genetics (formerly Invitae), Labcorp
Classification: Uncertain significance for Hereditary cancer-predisposing syndrome. Last evaluated: 2023-03-07. Review status: criteria provided, single submitter. Criteria: Invitae Variant Classification Sherloc (09022015). Collection method: clinical testing. Allele origin: germline.
Comment: This variant is not present in population databases (gnomAD no frequency). This sequence change replaces isoleucine, which is neutral and non-polar, with phenylalanine, which is neutral and non-polar, at codon 860 of the RAD50 protein (p.Ile860Phe). This variant has not been reported in the literature in individuals affected with RAD50-related conditions. In summary, the available evidence is currently insufficient to determine the role of this variant in disease. Therefore, it has been classified as a Variant of Uncertain Significance. Advanced modeling of protein sequence and biophysical properties (such as structural, functional, and spatial information, amino acid conservation, physicochemical variation, residue mobility, and thermodynamic stability) performed at Invitae indicates that this missense variant is expected to disrupt RAD50 protein function. ClinVar contains an entry for this variant (Variation ID: 821513).

NM_005732.4(RAD50):c.2578A>T (p.Ile860Phe)

Gene: RAD50 (RAD50 double strand break repair protein; plus strand). Cytogenetic location: 5q31.1.
Variant type: single nucleotide variant.
Coding change: c.2578A>T on transcript NM_005732.4 (MANE Select); coding-DNA position 2578, A replaced by T.
Protein change: p.Ile860Phe; replaces isoleucine 860 with phenylalanine.
Molecular consequence: missense variant.
Genome position (GRCh38, 1-based): chr5:132,604,859, A>T. VCF-style: chr5-132604859-A-T. GRCh37 (hg19) VCF-style: chr5-131940551-A-T.
Other names: short protein forms I860F.
Identifiers: ClinVar variation 821513 (VCV000821513.11), dbSNP rs1581002056, ClinGen allele CA360956417.